The following is an entry in ClinVar:

ClinVar aggregate classification (germline): Uncertain significance (1 of 4 stars; one submission).

Conditions:
Inborn genetic diseases. Identifiers: MedGen C0950123, MeSH D030342.

Submission:

Ambry Genetics
Classification: Uncertain significance for Inborn genetic diseases. Last evaluated: 2025-02-28. Review status: criteria provided, single submitter. Criteria: Ambry Variant Classification Scheme 2023. Collection method: clinical testing. Allele origin: germline.
Comment: The p.Y806N variant (also known as c.2416T>A), located in coding exon 19 of the BUB1B gene, results from a T to A substitution at nucleotide position 2416. The tyrosine at codon 806 is replaced by asparagine, an amino acid with dissimilar properties. This amino acid position is conserved. In addition, the in silico prediction for this alteration is inconclusive. Based on the available evidence, the clinical significance of this variant remains unclear.

NM_001211.6(BUB1B):c.2416T>A (p.Tyr806Asn)

Gene: BUB1B (BUB1 mitotic checkpoint serine/threonine kinase B; plus strand). Cytogenetic location: 15q15.1.
Variant type: single nucleotide variant.
Coding change: c.2416T>A on transcript NM_001211.6 (MANE Select); coding-DNA position 2416, T replaced by A.
Protein change: p.Tyr806Asn; replaces tyrosine 806 with asparagine.
Molecular consequence: missense variant.
Genome position (GRCh38, 1-based): chr15:40,212,529, T>A. VCF-style: chr15-40212529-T-A. GRCh37 (hg19) VCF-style: chr15-40504730-T-A.
Other names: short protein forms Y806N.
Identifiers: ClinVar variation 3826128 (VCV003826128.1).
Genomic context (GRCh38, chr15:40,212,529, plus strand): 5'-AACTTATTTTTAAAATACAATGTCTTACAGGTATCTTCTCAACCTGTCCCATGGGACTTT[T>A]ATATCAACCTCAAGTTAAAGGAACGTTTAAATGAAGATTTTGATCATTTTTGCAGCTGTT-3'
Protein context (NP_001202.5, residues 796-816): VSSQPVPWDF[Tyr806Asn]INLKLKERLN